The following is an entry in ClinVar:

NM_032608.7(MYO18B):c.826G>T (p.Gly276Trp)

Gene: MYO18B (myosin XVIIIB; plus strand). Cytogenetic location: 22q12.1.
Variant type: single nucleotide variant.
Coding change: c.826G>T on transcript NM_032608.7 (MANE Select); coding-DNA position 826, G replaced by T.
Protein change: p.Gly276Trp; replaces glycine 276 with tryptophan.
Molecular consequence: missense variant.
Genome position (GRCh38, 1-based): chr22:25,768,742, G>T. VCF-style: chr22-25768742-G-T. GRCh37 (hg19) VCF-style: chr22-26164709-G-T.
Other names: c.826G>T, p.Gly276Trp (NM_001318245.2); c.826G>T (NM_032608.5); short protein forms G276W.
Identifiers: ClinVar variation 1984271 (VCV001984271.2), dbSNP rs755575778, ClinGen allele CA10159699.
Genomic context (GRCh38, chr22:25,768,742, plus strand): 5'-GCTGAGCCCCAGGGCAAAGACAGGCAGGGGACCAGGCCCCAAGCCCAAGGGCCCGGCGAG[G>T]GGGTGCGACCAGGGAAAGCAGAGAAGGAGGGAGCAGAGCCCACAAACACGGTGGAAAAGG-3'
Protein context (NP_115997.5, residues 266-286): TRPQAQGPGE[Gly276Trp]VRPGKAEKEG

ClinVar aggregate classification (germline): Uncertain significance. Review status: criteria provided, multiple submitters, no conflicts (2 of 4 stars). 2 submissions from 2 submitters: Uncertain significance (2). Last evaluated 2024-04-23.

Conditions:
Inborn genetic diseases. Identifiers: MedGen C0950123, MeSH D030342.

Allele frequency attached by ClinVar (database versions not stated): gnomAD exomes 0.00001; TOPMed 0.00002; ExAC 0.00004.
gnomAD v4.1: 17 of 1,603,244 alleles (0.0011%); highest among the groups gnomAD compares: Middle Eastern, 0.017%; no homozygotes.

Submissions (2):

Ambry Genetics
Classification: Uncertain significance for Inborn genetic diseases. Last evaluated: 2024-04-23. Review status: criteria provided, single submitter. Criteria: Ambry Variant Classification Scheme 2023. Collection method: clinical testing. Allele origin: germline.

Labcorp Genetics (formerly Invitae), Labcorp
Classification: Uncertain significance. Last evaluated: 2022-06-02. Review status: criteria provided, single submitter. Criteria: Invitae Variant Classification Sherloc (09022015). Collection method: clinical testing. Allele origin: germline.
Comment: This sequence change replaces glycine, which is neutral and non-polar, with tryptophan, which is neutral and slightly polar, at codon 276 of the MYO18B protein (p.Gly276Trp). This variant is present in population databases (rs755575778, gnomAD 0.004%). This variant has not been reported in the literature in individuals affected with MYO18B-related conditions. Algorithms developed to predict the effect of missense changes on protein structure and function are either unavailable or do not agree on the potential impact of this missense change (SIFT: "Not Available"; PolyPhen-2: "Probably Damaging"; Align-GVGD: "Not Available"). In summary, the available evidence is currently insufficient to determine the role of this variant in disease. Therefore, it has been classified as a Variant of Uncertain Significance.